The following is an entry in ClinVar:

NM_003884.5(KAT2B):c.*8del

Gene: KAT2B (lysine acetyltransferase 2B; plus strand). Cytogenetic location: 3p24.3.
Variant type: Deletion.
Coding change: c.*8del on transcript NM_003884.5 (MANE Select); 8 bases downstream of the stop codon, one base deleted (T; older notation c.*8delT).
Molecular consequence: 3 prime UTR variant.
Genome position (GRCh38, 1-based): chr3:20,152,533, T deleted; the last of 8 consecutive T bases (chr3:20,152,526-20,152,533); deleting any one gives the same sequence. VCF-style (leftmost placement, unchanged base first): chr3-20152525-AT-A. GRCh37 (hg19) VCF-style: chr3-20194017-AT-A.
Identifiers: ClinVar variation 4980904 (VCV004980904.1).

ClinVar aggregate classification (germline): Likely benign (1 of 4 stars; one submission).

Conditions:
KAT2B-related disorder. Also called: KAT2B-related condition.

Submission:

PreventionGenetics, part of Exact Sciences
Classification: Likely benign for KAT2B-related condition. Last evaluated: 2025-03-24. Review status: criteria provided, single submitter. Criteria: ACMG Guidelines, 2015. Collection method: clinical testing. Allele origin: germline.
Comment: This variant is classified as likely benign based on ACMG/AMP sequence variant interpretation guidelines (Richards et al. 2015 PMID: 25741868, with internal and published modifications).